The following is an entry in ClinVar:

NM_002691.4(POLD1):c.2681A>C (p.Tyr894Ser)

Gene: POLD1 (DNA polymerase delta 1, catalytic subunit; plus strand). Cytogenetic location: 19q13.33.
Variant type: single nucleotide variant.
Coding change: c.2681A>C on transcript NM_002691.4 (MANE Select); coding-DNA position 2681, A replaced by C.
Protein change: p.Tyr894Ser; replaces tyrosine 894 with serine.
Molecular consequence: missense variant. On other transcripts: non-coding transcript variant (1).
Genome position (GRCh38, 1-based): chr19:50,415,554, A>C. VCF-style: chr19-50415554-A-C. GRCh37 (hg19) VCF-style: chr19-50918811-A-C.
Other names: c.2681A>C, p.Tyr894Ser (NM_001256849.1); c.2759A>C, p.Tyr920Ser (NM_001308632.1); short protein forms Y920S, Y894S.
Identifiers: ClinVar variation 2769156 (VCV002769156.3), dbSNP rs2122476706, ClinGen allele CA406985613.
Genomic context (GRCh38, chr19:50,415,554, plus strand): 5'-ACCGCATCGATATCTCCCAGCTGGTCATCACCAAGGAGCTGACCCGCGCGGCCTCCGACT[A>C]TGCCGGCAAGCAGGCCCACGTGGAGCTGGCCGAGAGGTCCTGCGCGGGGCGGGTGGCCTG-3'
Protein context (NP_002682.2, residues 884-904): TKELTRAASD[Tyr894Ser]AGKQAHVELA

ClinVar aggregate classification (germline): Uncertain significance (1 of 4 stars; one submission).

Conditions:
POLD1-related polyposis and colorectal cancer syndrome (CRCS10). Also called: Colorectal cancer 10; Colorectal cancer, susceptibility to, 10; COLORECTAL CANCER, SUSCEPTIBILITY TO, ON CHROMOSOME 19q. Identifiers: Orphanet 220460, MedGen C2675481, MONDO:0012953, OMIM 612591.

Submission:

Labcorp Genetics (formerly Invitae), Labcorp
Classification: Uncertain significance for POLD1-related polyposis and colorectal cancer syndrome. Last evaluated: 2023-10-16. Review status: criteria provided, single submitter. Criteria: Invitae Variant Classification Sherloc (09022015). Collection method: clinical testing. Allele origin: germline.
Comment: This sequence change replaces tyrosine, which is neutral and polar, with serine, which is neutral and polar, at codon 894 of the POLD1 protein (p.Tyr894Ser). This variant is not present in population databases (gnomAD no frequency). This variant has not been reported in the literature in individuals affected with POLD1-related conditions. Advanced modeling of protein sequence and biophysical properties (such as structural, functional, and spatial information, amino acid conservation, physicochemical variation, residue mobility, and thermodynamic stability) performed at Invitae indicates that this missense variant is expected to disrupt POLD1 protein function. In summary, the available evidence is currently insufficient to determine the role of this variant in disease. Therefore, it has been classified as a Variant of Uncertain Significance.